The following is an entry in ClinVar:

ClinVar aggregate classification (germline): Benign. Review status: criteria provided, multiple submitters, no conflicts (2 of 4 stars). 2 submissions from 2 submitters: Benign (2). Last evaluated 2018-06-16.

Allele frequency attached by ClinVar (database versions not stated): TOPMed 0.07360; gnomAD 0.07445 and 0.07722; 1000 Genomes Project 30x 0.08823; 1000 Genomes Project 0.08986; gnomAD exomes 0.09525.
gnomAD v4.1: 136,055 of 1,455,326 alleles (9.3%); highest among the groups gnomAD compares: East Asian, 21%; 7,106 homozygotes.

Submissions (2):

GeneDx
Classification: Benign. Last evaluated: 2018-06-16. Review status: criteria provided, single submitter. Criteria: GeneDx Variant Classification (06012015). Collection method: clinical testing. Allele origin: germline. Affected: yes.
Comment: This variant is considered likely benign or benign based on one or more of the following criteria: it is a conservative change, it occurs at a poorly conserved position in the protein, it is predicted to be benign by multiple in silico algorithms, and/or has population frequency not consistent with disease.

Breakthrough Genomics
Classification: Benign. Review status: criteria provided, single submitter. Criteria: ACMG Guidelines, 2015. Collection method: not provided. Allele origin: germline. Inheritance: Autosomal dominant inheritance. Affected: yes.

NM_144498.4(OSBPL2):c.259-95C>T

Gene: OSBPL2 (oxysterol binding protein like 2; plus strand). Cytogenetic location: 20q13.33.
Variant type: single nucleotide variant.
Coding change: c.259-95C>T on transcript NM_144498.4 (MANE Select); 95 bases into the intron before coding-DNA position 259, C replaced by T.
Molecular consequence: intron variant.
Genome position (GRCh38, 1-based): chr20:62,272,030, C>T. VCF-style: chr20-62272030-C-T. GRCh37 (hg19) VCF-style: chr20-60847086-C-T.
Other names: c.-18-95C>T (NM_001363878.2, NM_001278649.3); c.223-95C>T (NM_014835.5).
Identifiers: ClinVar variation 682796 (VCV000682796.2), dbSNP rs2297594, ClinGen allele CA14792299.